The following is an entry in ClinVar:

Multiple alleles

Variant type: Haplotype.
Identifiers: ClinVar variation 1327590 (VCV001327590.3).

ClinVar aggregate classification (germline): Pathogenic (1 of 4 stars; one submission).

Conditions:
Becker muscular dystrophy (BMD). Also called: Becker Muscular Dystrophy (BMD); MUSCULAR DYSTROPHY, PSEUDOHYPERTROPHIC PROGRESSIVE, BECKER TYPE. Identifiers: Orphanet 98895, MedGen C0917713, MONDO:0010311, OMIM 300376.

Submission:

Unidade de Genética Molecular, Centro Hospitalar Universitário do Porto
Classification: Pathogenic for Becker muscular dystrophy. Review status: criteria provided, single submitter. Criteria: ACMG Guidelines, 2015. Collection method: clinical testing. Allele origin: inherited. Inheritance: X-linked recessive inheritance. Affected: yes. Observed: 1 hemizygote.
Comment: Muscle mRNA analysis confirmed the presence of aberrant transcripts.